The following is an entry in ClinVar:

ClinVar aggregate classification (germline): Uncertain significance (1 of 4 stars; one submission).

Allele frequency attached by ClinVar (database versions not stated): gnomAD exomes below 0.00001.

Submission:

Labcorp Genetics (formerly Invitae), Labcorp
Classification: Uncertain significance. Last evaluated: 2019-12-31. Review status: criteria provided, single submitter. Criteria: Invitae Variant Classification Sherloc (09022015). Collection method: clinical testing. Allele origin: germline.
Comment: In summary, the available evidence is currently insufficient to determine the role of this variant in disease. Therefore, it has been classified as a Variant of Uncertain Significance. Algorithms developed to predict the effect of missense changes on protein structure and function are either unavailable or do not agree on the potential impact of this missense change (SIFT: "Tolerated"; PolyPhen-2: "Probably Damaging"; Align-GVGD: "Class C0"). This variant has not been reported in the literature in individuals with POLE-related disease. This variant is not present in population databases (ExAC no frequency). This sequence change replaces aspartic acid with asparagine at codon 90 of the POLE protein (p.Asp90Asn). The aspartic acid residue is moderately conserved and there is a small physicochemical difference between aspartic acid and asparagine.

NM_006231.4(POLE):c.268G>A (p.Asp90Asn)

Gene: POLE (DNA polymerase epsilon, catalytic subunit; minus strand). Cytogenetic location: 12q24.33.
Variant type: single nucleotide variant.
Coding change: c.268G>A on transcript NM_006231.4 (MANE Select); coding-DNA position 268, G replaced by A.
Protein change: p.Asp90Asn; replaces aspartic acid 90 with asparagine.
Molecular consequence: missense variant.
Genome position (GRCh38, 1-based): chr12:132,680,624, C>T on the plus strand (G>A on the coding strand, the complement: POLE is on the minus strand). VCF-style: chr12-132680624-C-T. GRCh37 (hg19) VCF-style: chr12-133257210-C-T.
Other names: short protein forms D90N.
Identifiers: ClinVar variation 640239 (VCV000640239.10), dbSNP rs1431544569, ClinGen allele CA387369090.
Genomic context (GRCh38, chr12:132,680,624, plus strand): 5'-ACCCATAAAAGTGGGTTTTAGCTTGTCGCAGTCAGGGGCTTACCTTAAATCTGCTTCCGT[C>T]ATCTTGAATAAAGTAGTAATCCACTGCACTGCCTAAGCGCTTATCTTCATCTAAAATCTC-3'
Protein context (NP_006222.2, residues 80-100): SAVDYYFIQD[Asp90Asn]GSRFKVALPY